The following is an entry in ClinVar:

ClinVar aggregate classification (germline): Uncertain significance (1 of 4 stars; one submission).

Conditions:
Alstrom syndrome (ALMS). Identifiers: Orphanet 64, MedGen C0268425, MONDO:0008763, OMIM 203800.

Allele frequency attached by ClinVar (database versions not stated): TOPMed below 0.00001; ExAC 0.00001; ESP Exome Variant Server 0.00008.
gnomAD v4.1: 11 of 1,614,166 alleles (0.00068%); highest among the groups gnomAD compares: Non-Finnish European, 0.00093%; no homozygotes.

Submission:

Labcorp Genetics (formerly Invitae), Labcorp
Classification: Uncertain significance for Alstrom syndrome. Last evaluated: 2023-10-17. Review status: criteria provided, single submitter. Criteria: Invitae Variant Classification Sherloc (09022015). Collection method: clinical testing. Allele origin: germline.
Comment: This sequence change replaces glutamine, which is neutral and polar, with proline, which is neutral and non-polar, at codon 3401 of the ALMS1 protein (p.Gln3401Pro). This variant is not present in population databases (gnomAD no frequency). This variant has not been reported in the literature in individuals affected with ALMS1-related conditions. Algorithms developed to predict the effect of missense changes on protein structure and function output the following: SIFT: "Not Available"; PolyPhen-2: "Not Available"; Align-GVGD: "Not Available". The proline amino acid residue is found in multiple mammalian species, which suggests that this missense change does not adversely affect protein function. In summary, the available evidence is currently insufficient to determine the role of this variant in disease. Therefore, it has been classified as a Variant of Uncertain Significance.

NM_001378454.1(ALMS1):c.10199A>C (p.Gln3400Pro)

Gene: ALMS1 (ALMS1 centrosome and basal body associated protein; plus strand). Cytogenetic location: 2p13.1.
Variant type: single nucleotide variant.
Coding change: c.10199A>C on transcript NM_001378454.1 (MANE Select); coding-DNA position 10199, A replaced by C.
Protein change: p.Gln3400Pro; replaces glutamine 3400 with proline.
Molecular consequence: missense variant.
Genome position (GRCh38, 1-based): chr2:73,557,340, A>C. VCF-style: chr2-73557340-A-C. GRCh37 (hg19) VCF-style: chr2-73784467-A-C.
Other names: c.10202A>C, p.Gln3401Pro (NM_015120.4); short protein forms Q3401P, Q3400P.
Identifiers: ClinVar variation 2907896 (VCV002907896.2), dbSNP rs367923347, ClinGen allele CA1714907.